The following is an entry in ClinVar:

NM_181672.3(OGT):c.2937A>G (p.Ile979Met)

Gene: OGT (O-linked N-acetylglucosamine (GlcNAc) transferase; plus strand). Cytogenetic location: Xq13.1.
Variant type: single nucleotide variant.
Coding change: c.2937A>G on transcript NM_181672.3 (MANE Select); coding-DNA position 2937, A replaced by G.
Protein change: p.Ile979Met; replaces isoleucine 979 with methionine.
Molecular consequence: missense variant.
Genome position (GRCh38, 1-based): chrX:71,568,087, A>G. VCF-style: chrX-71568087-A-G. GRCh37 (hg19) VCF-style: chrX-70787937-A-G.
Other names: c.2907A>G, p.Ile969Met (NM_181673.3); short protein forms I969M, I979M.
Identifiers: ClinVar variation 2499752 (VCV002499752.1), dbSNP rs2522860841, ClinGen allele CA413524010.
Genomic context (GRCh38, chrX:71,568,087, plus strand): 5'-GCTCACTTGCTTAGGTTGTCTTGAGCTTATTGCTAAAAACAGACAAGAATATGAAGACAT[A>G]GCTGTGAAGCTGGGAACTGATCTAGAATAGTAAGTAAACTTTTCCTTGAACAAATTATTT-3'
Protein context (NP_858058.1, residues 969-989): IAKNRQEYED[Ile979Met]AVKLGTDLEY

ClinVar aggregate classification (germline): Uncertain significance (1 of 4 stars; one submission).

Submission:

GeneDx
Classification: Uncertain significance. Last evaluated: 2022-10-20. Review status: criteria provided, single submitter. Criteria: GeneDx Variant Classification Process June 2021. Collection method: clinical testing. Allele origin: germline. Affected: yes.
Comment: Not observed at significant frequency in large population cohorts (gnomAD); In silico analysis supports that this missense variant does not alter protein structure/function; Has not been previously published as pathogenic or benign to our knowledge